The following is an entry in ClinVar:

NM_203447.4(DOCK8):c.2109+51A>T

Gene: DOCK8 (dedicator of cytokinesis 8; plus strand). Cytogenetic location: 9p24.3.
Variant type: single nucleotide variant.
Coding change: c.2109+51A>T on transcript NM_203447.4 (MANE Select); 51 bases into the intron after coding-DNA position 2109, A replaced by T.
Molecular consequence: intron variant.
Genome position (GRCh38, 1-based): chr9:372,337, A>T. VCF-style: chr9-372337-A-T. GRCh37 (hg19) VCF-style: chr9-372337-A-T.
Other names: p.?; c.1905+51A>T (NM_001193536.2, NM_001190458.2).
Identifiers: ClinVar variation 4683371 (VCV004683371.1).

ClinVar aggregate classification (germline): Likely benign (1 of 4 stars; one submission).

gnomAD v4.1: 168 of 1,440,560 alleles (0.012%); highest among the groups gnomAD compares: Non-Finnish European, 0.011%; 1 homozygote.

Submission:

Mayo Clinic Laboratories, Mayo Clinic
Classification: Likely benign. Last evaluated: 2025-05-21. Review status: criteria provided, single submitter. Criteria: ACMG Guidelines, 2015. Collection method: clinical testing. Allele origin: germline. Observed: 1 variant allele.
Comment: BS1, BP4, BP7